The following is an entry in ClinVar:

NM_004100.5(EYA4):c.1259A>G (p.His420Arg)

Genes: TARID (TCF21 antisense RNA inducing promoter demethylation; minus strand), EYA4 (EYA transcriptional coactivator and phosphatase 4; plus strand), LOC126859796 (MED14-independent group 3 enhancer GRCh37_chr6:133826289-133827488; plus strand). Cytogenetic location: 6q23.2.
Variant type: single nucleotide variant.
Coding change: c.1259A>G on transcript NM_004100.5 (MANE Select); coding-DNA position 1259, A replaced by G.
Protein change: p.His420Arg; replaces histidine 420 with arginine.
Molecular consequence: missense variant. On other transcripts: non-coding transcript variant (1).
Genome position (GRCh38, 1-based): chr6:133,506,173, A>G. VCF-style: chr6-133506173-A-G. GRCh37 (hg19) VCF-style: chr6-133827311-A-G.
Other names: c.1259A>G (NM_004100.4); c.1097A>G, p.His366Arg (NM_001301012.2); c.1277A>G, p.His426Arg (NM_001301013.2); c.1190A>G, p.His397Arg (NM_001370458.1, NM_172103.4); c.1115A>G, p.His372Arg (NM_001370459.1); c.1259A>G, p.His420Arg (NM_172105.4); short protein forms H366R, H372R, H420R, H397R, H426R.
Identifiers: ClinVar variation 1410820 (VCV001410820.9), dbSNP rs1798603267, ClinGen allele CA365713652.

ClinVar aggregate classification (germline): Uncertain significance. Review status: criteria provided, multiple submitters, no conflicts (2 of 4 stars). 2 submissions from 2 submitters: Uncertain significance (2). Last evaluated 2025-01-31.

Conditions:
Cardiovascular phenotype. Identifiers: MedGen CN230736.
Dilated cardiomyopathy 1J (CMD1J). Also called: CARDIOMYOPATHY, DILATED, WITH SENSORINEURAL HEARING LOSS, AUTOSOMAL DOMINANT. Identifiers: Orphanet 217622, MedGen C1854368, MONDO:0011541, OMIM 605362.

gnomAD v4.1: 1 of 1,606,292 alleles (0.000062%); highest among the groups gnomAD compares: Non-Finnish European, 0.000085%; no homozygotes.

Submissions (2):

Labcorp Genetics (formerly Invitae), Labcorp
Classification: Uncertain significance for Dilated cardiomyopathy 1J. Last evaluated: 2025-01-31. Review status: criteria provided, single submitter. Criteria: Invitae Variant Classification Sherloc (09022015). Collection method: clinical testing. Allele origin: germline.
Comment: This sequence change replaces histidine, which is basic and polar, with arginine, which is basic and polar, at codon 420 of the EYA4 protein (p.His420Arg). This variant is not present in population databases (gnomAD no frequency). This variant has not been reported in the literature in individuals affected with EYA4-related conditions. ClinVar contains an entry for this variant (Variation ID: 1410820). Invitae Evidence Modeling of protein sequence and biophysical properties (such as structural, functional, and spatial information, amino acid conservation, physicochemical variation, residue mobility, and thermodynamic stability) indicates that this missense variant is not expected to disrupt EYA4 protein function with a negative predictive value of 80%. In summary, the available evidence is currently insufficient to determine the role of this variant in disease. Therefore, it has been classified as a Variant of Uncertain Significance.

Ambry Genetics
Classification: Uncertain significance for Cardiovascular phenotype. Last evaluated: 2024-10-24. Review status: criteria provided, single submitter. Criteria: Ambry Variant Classification Scheme 2023. Collection method: clinical testing. Allele origin: germline.
Comment: The p.H420R variant (also known as c.1259A>G), located in coding exon 13 of the EYA4 gene, results from an A to G substitution at nucleotide position 1259. The histidine at codon 420 is replaced by arginine, an amino acid with highly similar properties. This amino acid position is conserved. In addition, the in silico prediction for this alteration is inconclusive. Based on the available evidence, the clinical significance of this variant remains unclear.